The following is an entry in ClinVar:

ClinVar aggregate classification (germline): Uncertain significance (1 of 4 stars; one submission).

Conditions:
Cardiovascular phenotype. Identifiers: MedGen CN230736.
Hereditary cancer-predisposing syndrome. Also called: Tumor predisposition; Hereditary neoplastic syndrome; Neoplastic Syndromes, Hereditary; Hereditary Cancer Syndrome. Identifiers: Orphanet 140162, MedGen C0027672, MeSH D009386, MONDO:0015356.

Submission:

Ambry Genetics
Classification: Uncertain significance for Cardiovascular phenotype; Hereditary cancer-predisposing syndrome. Last evaluated: 2025-05-16. Review status: criteria provided, single submitter. Criteria: Ambry Variant Classification Scheme 2023. Collection method: clinical testing. Allele origin: germline.
Comment: The p.E1619K variant (also known as c.4855G>A), located in coding exon 36 of the NF1 gene, results from a G to A substitution at nucleotide position 4855. The glutamic acid at codon 1619 is replaced by lysine, an amino acid with similar properties. This amino acid position is highly conserved in available vertebrate species. In addition, this alteration is predicted to be deleterious by in silico analysis. Based on the available evidence, the clinical significance of this variant remains unclear.

NM_001042492.3(NF1):c.4918G>A (p.Glu1640Lys)

Gene: NF1 (neurofibromin 1; plus strand). Cytogenetic location: 17q11.2.
Variant type: single nucleotide variant.
Coding change: c.4918G>A on transcript NM_001042492.3 (MANE Select); coding-DNA position 4918, G replaced by A.
Protein change: p.Glu1640Lys; replaces glutamic acid 1640 with lysine.
Molecular consequence: missense variant.
Genome position (GRCh38, 1-based): chr17:31,325,902, G>A. VCF-style: chr17-31325902-G-A. GRCh37 (hg19) VCF-style: chr17-29652920-G-A.
Other names: c.4855G>A, p.Glu1619Lys (NM_000267.4); short protein forms E1619K, E1640K.
Identifiers: ClinVar variation 4026374 (VCV004026374.1).